The following is an entry in ClinVar:

ClinVar aggregate classification (germline): Conflicting classifications of pathogenicity. Review status: criteria provided, conflicting classifications (1 of 4 stars). 2 submissions from 2 submitters: Likely pathogenic (1); Uncertain significance (1). Last evaluated 2024-08-29.

Conditions:
Familial thoracic aortic aneurysm and aortic dissection (TAAD). Also called: Thoracic aortic aneurysms and dissections. Identifiers: Orphanet 91387, MedGen C4707243, MONDO:0019625.

Submissions (2):

Labcorp Genetics (formerly Invitae), Labcorp
Classification: Likely pathogenic for Familial thoracic aortic aneurysm and aortic dissection. Last evaluated: 2024-08-29. Review status: criteria provided, single submitter. Criteria: Invitae Variant Classification Sherloc (09022015). Collection method: clinical testing. Allele origin: germline.
Comment: This sequence change affects an acceptor splice site in intron 3 of the SMAD3 gene. It is expected to disrupt RNA splicing. Variants that disrupt the donor or acceptor splice site typically lead to a loss of protein function (PMID: 16199547), and loss-of-function variants in SMAD3 are known to be pathogenic (PMID: 21778426, 24804794). This variant is not present in population databases (gnomAD no frequency). This variant has not been reported in the literature in individuals affected with SMAD3-related conditions. Algorithms developed to predict the effect of sequence changes on RNA splicing suggest that this variant may disrupt the consensus splice site. In summary, the currently available evidence indicates that the variant is pathogenic, but additional data are needed to prove that conclusively. Therefore, this variant has been classified as Likely Pathogenic.

Blueprint Genetics
Classification: Uncertain significance. Last evaluated: 2024-03-28. Review status: criteria provided, single submitter. Criteria: ACMG Guidelines, 2015. Collection method: clinical testing. Allele origin: germline.

Literature cited by the submitters: PubMed 16199547 (cited by Labcorp Genetics (formerly Invitae), Labcorp); PubMed 21778426 (cited by Labcorp Genetics (formerly Invitae), Labcorp); PubMed 24804794 (cited by Labcorp Genetics (formerly Invitae), Labcorp).

NM_005902.4(SMAD3):c.533-2A>G

Gene: SMAD3 (SMAD family member 3; plus strand). Cytogenetic location: 15q22.33.
Variant type: single nucleotide variant.
Coding change: c.533-2A>G on transcript NM_005902.4 (MANE Select); the canonical splice acceptor site of the intron before coding-DNA position 533, A replaced by G.
Molecular consequence: splice acceptor variant.
Genome position (GRCh38, 1-based): chr15:67,166,777, A>G. VCF-style: chr15-67166777-A-G. GRCh37 (hg19) VCF-style: chr15-67459115-A-G.
Other names: c.533-2A>G (NM_001407011.1, NM_001407013.1); c.401-2A>G (NM_001407012.1, NM_001145103.2); c.386-2A>G (NM_001407014.1); c.218-2A>G (NM_001145102.2, NM_001407016.1); c.86-2A>G (NM_001407015.1); c.-53-2A>G (NM_001145104.2, NM_001407017.1).
Identifiers: ClinVar variation 3663948 (VCV003663948.3).